The following is an entry in ClinVar:

ClinVar aggregate classification (germline): Uncertain significance. Review status: criteria provided, multiple submitters, no conflicts (2 of 4 stars). 2 submissions from 2 submitters: Uncertain significance (2). Last evaluated 2026-02-26.

Conditions:
Cardiovascular phenotype. Identifiers: MedGen CN230736.
Danon disease. Also called: ANTOPOL DISEASE; PSEUDOGLYCOGENOSIS II; GSD IIb; LYSOSOMAL GLYCOGEN STORAGE DISEASE WITHOUT ACID MALTASE DEFICIENCY; Glycogen Storage Disease Type IIb. Identifiers: Orphanet 34587, MedGen C0878677, MONDO:0010281, OMIM 300257.

gnomAD v4.1: 2 of 1,212,238 alleles (0.00016%); highest among the groups gnomAD compares: Non-Finnish European, 0.00022%; no homozygotes.

Submissions (2):

Ambry Genetics
Classification: Uncertain significance for Cardiovascular phenotype. Last evaluated: 2026-02-26. Review status: criteria provided, single submitter. Criteria: Ambry Variant Classification Scheme 2023. Collection method: clinical testing. Allele origin: germline.

Labcorp Genetics (formerly Invitae), Labcorp
Classification: Uncertain significance for Danon disease. Last evaluated: 2025-05-27. Review status: criteria provided, single submitter. Criteria: Invitae Variant Classification Sherloc (09022015). Collection method: clinical testing. Allele origin: germline.
Comment: This sequence change replaces valine, which is neutral and non-polar, with leucine, which is neutral and non-polar, at codon 9 of the LAMP2 protein (p.Val9Leu). This variant is not present in population databases (gnomAD no frequency). This variant has not been reported in the literature in individuals affected with LAMP2-related conditions. ClinVar contains an entry for this variant (Variation ID: 1034555). An algorithm developed to predict the effect of missense changes on protein structure and function (PolyPhen-2) suggests that this variant is likely to be tolerated. In summary, the available evidence is currently insufficient to determine the role of this variant in disease. Therefore, it has been classified as a Variant of Uncertain Significance.

NM_002294.3(LAMP2):c.25G>C (p.Val9Leu)

Gene: LAMP2 (lysosome associated membrane protein 2; minus strand). Cytogenetic location: Xq24.
Variant type: single nucleotide variant.
Coding change: c.25G>C on transcript NM_002294.3 (MANE Select); coding-DNA position 25, G replaced by C.
Protein change: p.Val9Leu; replaces valine 9 with leucine.
Molecular consequence: missense variant.
Genome position (GRCh38, 1-based): chrX:120,469,145, C>G on the plus strand (G>C on the coding strand, the complement: LAMP2 is on the minus strand). VCF-style: chrX-120469145-C-G. GRCh37 (hg19) VCF-style: chrX-119603000-C-G.
Other names: c.25G>C, p.Val9Leu (NM_001122606.1, NM_013995.2); c.25G>C (NM_002294.2); short protein forms V9L.
Identifiers: ClinVar variation 1034555 (VCV001034555.10), dbSNP rs1921665698, ClinGen allele CA414397990.